The following is an entry in ClinVar:

ClinVar aggregate classification (germline): Pathogenic (1 of 4 stars; one submission).

Conditions:
Tuberous sclerosis 2 (TSC2). Identifiers: Orphanet 805, MedGen C1860707, MONDO:0013199, OMIM 613254.

Submission:

Labcorp Genetics (formerly Invitae), Labcorp
Classification: Pathogenic for Tuberous sclerosis 2. Last evaluated: 2022-08-22. Review status: criteria provided, single submitter. Criteria: Invitae Variant Classification Sherloc (09022015). Collection method: clinical testing. Allele origin: unknown.
Comment: For these reasons, this variant has been classified as Pathogenic. A similar copy number variant has been observed in individual(s) with tuberous sclerosis complex (TSC) (PMID: 21541650, 22490766, 25498131, 25782670). This variant is a gross deletion of the genomic region encompassing exon(s) 2-16 of the TSC2 gene, which includes the initiator codon. This deletion extends beyond the assayed region for this gene and therefore may encompass additional genes. It is expected to result in an absent or disrupted protein product. Loss-of-function variants in TSC2 are known to be pathogenic (PMID: 10205261, 17304050).

Literature cited by the submitters: PubMed 21541650; PubMed 22490766; PubMed 25498131; PubMed 25782670; PubMed 10205261; PubMed 17304050.

NC_000016.9:g.(?_2098611)_(2115642_?)del

Gene: TSC2 (TSC complex subunit 2; plus strand). Cytogenetic location: 16p13.3.
Variant type: Deletion.
Identifiers: ClinVar variation 3243453 (VCV003243453.1).